The following is an entry in ClinVar:

ClinVar aggregate classification (germline): Uncertain significance (1 of 4 stars; one submission).

Conditions:
Glycogen storage disease IXa1. Also called: GLYCOGEN STORAGE DISEASE VIII; GSD VIII; Glycogen storage disease 8; LIVER GLYCOGENOSIS, X-LINKED, TYPE I. Identifiers: Orphanet 264580, MedGen C3694531, MONDO:0010598, OMIM 306000.

Allele frequency attached by ClinVar (database versions not stated): gnomAD below 0.00001 and 0.00001; gnomAD exomes below 0.00001; TOPMed 0.00001.

Submission:

Labcorp Genetics (formerly Invitae), Labcorp
Classification: Uncertain significance for Glycogen storage disease IXa1. Last evaluated: 2019-07-15. Review status: criteria provided, single submitter. Criteria: Invitae Variant Classification Sherloc (09022015). Collection method: clinical testing. Allele origin: germline.
Comment: In summary, the available evidence is currently insufficient to determine the role of this variant in disease. Therefore, it has been classified as a Variant of Uncertain Significance. Algorithms developed to predict the effect of missense changes on protein structure and function output the following: SIFT: "Tolerated"; PolyPhen-2: "Benign"; Align-GVGD: "Class C0". The serine amino acid residue is found in multiple mammalian species, suggesting that this missense change does not adversely affect protein function. These predictions have not been confirmed by published functional studies and their clinical significance is uncertain. This variant has not been reported in the literature in individuals with PHKA2-related conditions. This variant is not present in population databases (ExAC no frequency). This sequence change replaces asparagine with serine at codon 794 of the PHKA2 protein (p.Asn794Ser). The asparagine residue is weakly conserved and there is a small physicochemical difference between asparagine and serine.

NM_000292.3(PHKA2):c.2381A>G (p.Asn794Ser)

Gene: PHKA2 (phosphorylase kinase regulatory subunit alpha 2; minus strand). Cytogenetic location: Xp22.13.
Variant type: single nucleotide variant.
Coding change: c.2381A>G on transcript NM_000292.3 (MANE Select); coding-DNA position 2381, A replaced by G.
Protein change: p.Asn794Ser; replaces asparagine 794 with serine.
Molecular consequence: missense variant.
Genome position (GRCh38, 1-based): chrX:18,908,036, T>C on the plus strand (A>G on the coding strand, the complement: PHKA2 is on the minus strand). VCF-style: chrX-18908036-T-C. GRCh37 (hg19) VCF-style: chrX-18926154-T-C.
Other names: short protein forms N794S.
Identifiers: ClinVar variation 952021 (VCV000952021.8), dbSNP rs886801187, ClinGen allele CA327037678.